The following is an entry in ClinVar:

NM_001005273.3(CHD3):c.1503+6T>C

Gene: CHD3 (chromodomain helicase DNA binding protein 3; plus strand). Cytogenetic location: 17p13.1.
Variant type: single nucleotide variant.
Coding change: c.1503+6T>C on transcript NM_001005273.3 (MANE Select); 6 bases into the intron after coding-DNA position 1503, T replaced by C.
Molecular consequence: intron variant.
Genome position (GRCh38, 1-based): chr17:7,895,156, T>C. VCF-style: chr17-7895156-T-C. GRCh37 (hg19) VCF-style: chr17-7798474-T-C.
Other names: c.1680+6T>C (NM_001005271.3); c.1503+6T>C (NM_005852.4).
Identifiers: ClinVar variation 3765921 (VCV003765921.1).

ClinVar aggregate classification (germline): Uncertain significance (1 of 4 stars; one submission).

Submission:

GeneDx
Classification: Uncertain significance. Last evaluated: 2024-08-28. Review status: criteria provided, single submitter. Criteria: GeneDx Variant Classification Process June 2021. Collection method: clinical testing. Allele origin: germline. Affected: yes.
Comment: Not observed at significant frequency in large population cohorts (gnomAD); In silico analysis supports a deleterious effect on splicing; Has not been previously published as pathogenic or benign to our knowledge